The following is an entry in ClinVar:

NM_001943.5(DSG2):c.2897G>C (p.Arg966Thr)

Genes: DSG2 (desmoglein 2; plus strand), DSG2-AS1 (DSG2 antisense RNA 1; minus strand). Cytogenetic location: 18q12.1.
Variant type: single nucleotide variant.
Coding change: c.2897G>C on transcript NM_001943.5 (MANE Select); coding-DNA position 2897, G replaced by C.
Protein change: p.Arg966Thr; replaces arginine 966 with threonine.
Molecular consequence: missense variant.
Genome position (GRCh38, 1-based): chr18:31,546,283, G>C. VCF-style: chr18-31546283-G-C. GRCh37 (hg19) VCF-style: chr18-29126246-G-C.
Other names: c.2897G>C (LRG_397t1); short protein forms R966T.
Identifiers: ClinVar variation 326488 (VCV000326488.15), dbSNP rs764925318, ClinGen allele CA047440.

ClinVar aggregate classification (germline): Conflicting classifications of pathogenicity. Review status: criteria provided, conflicting classifications (1 of 4 stars). 5 submissions from 5 submitters: Uncertain significance (4); Likely benign (1). Last evaluated 2025-12-14.

Conditions:
Cardiovascular phenotype. Identifiers: MedGen CN230736.
Arrhythmogenic right ventricular cardiomyopathy (ARVD). Also called: Arrhythmogenic cardiomyopathy; Arrhythmogenic Right Ventricular Cardiomyopathy (ARVC); Cardiomyopathy, ARVC; Arrhythmogenic right ventricular dysplasia. Identifiers: Orphanet 247, MedGen C0349788, MeSH D019571, MONDO:0016587. Disease mechanism: loss of function. Inheritance: Various modes of inheritance.
Cardiomyopathy (CMYO). Also called: Cardiomyopathies. Identifiers: Orphanet 167848, MedGen C0878544, MONDO:0004994, HP:0001638. Inheritance: Various modes of inheritance.
Arrhythmogenic right ventricular dysplasia 10. Also called: ARRHYTHMOGENIC RIGHT VENTRICULAR DYSPLASIA, FAMILIAL, 10; Arrhythmogenic Right Ventricular Dysplasia/Cardiomyopathy10; Arrhythmogenic right ventricular dysplasia/cardiomyopathy, type 10. Identifiers: MedGen C1857777, MONDO:0012434, OMIM 610193.

Allele frequency attached by ClinVar (database versions not stated): ExAC 0.00003; TOPMed 0.00003; gnomAD exomes 0.00005.
gnomAD v4.1: 16 of 1,602,282 alleles (0.001%); highest among the groups gnomAD compares: Admixed American, 0.024%; no homozygotes.

Submissions (5):

Labcorp Genetics (formerly Invitae), Labcorp
Classification: Uncertain significance for Arrhythmogenic right ventricular dysplasia 10. Last evaluated: 2025-12-14. Review status: criteria provided, single submitter. Criteria: Invitae Variant Classification Sherloc (09022015). Collection method: clinical testing. Allele origin: germline.
Comment: This sequence change replaces arginine, which is basic and polar, with threonine, which is neutral and polar, at codon 966 of the DSG2 protein (p.Arg966Thr). This variant is present in population databases (rs764925318, gnomAD 0.02%). This variant has not been reported in the literature in individuals affected with DSG2-related conditions. ClinVar contains an entry for this variant (Variation ID: 326488). Invitae Evidence Modeling of protein sequence and biophysical properties (such as structural, functional, and spatial information, amino acid conservation, physicochemical variation, residue mobility, and thermodynamic stability) has been performed for this missense variant. However, the output from this modeling did not meet the statistical confidence thresholds required to predict the impact of this variant on DSG2 protein function. In summary, the available evidence is currently insufficient to determine the role of this variant in disease. Therefore, it has been classified as a Variant of Uncertain Significance.

Ambry Genetics
Classification: Likely benign for Cardiovascular phenotype. Last evaluated: 2025-01-14. Review status: criteria provided, single submitter. Criteria: Ambry Variant Classification Scheme 2023. Collection method: clinical testing. Allele origin: germline.

All of Us Research Program, National Institutes of Health
Classification: Uncertain significance for Arrhythmogenic right ventricular cardiomyopathy. Last evaluated: 2024-02-05. Review status: criteria provided, single submitter. Criteria: ACMG Guidelines, 2015. Collection method: clinical testing. Allele origin: germline. Inheritance: Autosomal dominant inheritance. Observed: 2 variant alleles, 2 heterozygotes.
Comment: This missense variant replaces arginine with threonine at codon 966 of the DSG2 protein. Computational prediction is inconclusive regarding the impact of this variant on protein structure and function (internally defined REVEL score threshold 0.5 < inconclusive < 0.7, PMID: 27666373). To our knowledge, functional studies have not been reported for this variant. This variant has not been reported in individuals affected with DSG2-related disorders in the literature. This variant has been identified in 11/240998 chromosomes in the general population by the Genome Aggregation Database (gnomAD). The available evidence is insufficient to determine the role of this variant in disease conclusively. Therefore, this variant is classified as a Variant of Uncertain Significance.

This study involves interpretation of variants in research participants for the purpose of population health screening. Participant phenotype was not available at the time of variant classification. Additional details can be found in publication PMID: 35346344, PMCID: PMC8962531

Color Diagnostics, LLC DBA Color Health
Classification: Uncertain significance for Cardiomyopathy. Last evaluated: 2024-01-29. Review status: criteria provided, single submitter. Criteria: ACMG Guidelines, 2015. Collection method: clinical testing. Allele origin: germline.
Comment: This missense variant replaces arginine with threonine at codon 966 of the DSG2 protein. Computational prediction is inconclusive regarding the impact of this variant on protein structure and function (internally defined REVEL score threshold 0.5 < inconclusive < 0.7, PMID: 27666373). To our knowledge, functional studies have not been reported for this variant. This variant has not been reported in individuals affected with DSG2-related disorders in the literature. This variant has been identified in 11/240998 chromosomes in the general population by the Genome Aggregation Database (gnomAD). The available evidence is insufficient to determine the role of this variant in disease conclusively. Therefore, this variant is classified as a Variant of Uncertain Significance.

Illumina Laboratory Services, Illumina
Classification: Uncertain significance for Arrhythmogenic right ventricular dysplasia 10. Last evaluated: 2018-01-12. Review status: criteria provided, single submitter. Criteria: ICSL Variant Classification Criteria 13 December 2019. Collection method: clinical testing. Allele origin: germline.